The following is an entry in ClinVar:

ClinVar aggregate classification (germline): Uncertain significance (1 of 4 stars; one submission).

Submission:

Labcorp Genetics (formerly Invitae), Labcorp
Classification: Uncertain significance. Last evaluated: 2022-04-29. Review status: criteria provided, single submitter. Criteria: Invitae Variant Classification Sherloc (09022015). Collection method: clinical testing. Allele origin: germline.
Comment: This variant has not been reported in the literature in individuals affected with PLAA-related conditions. In summary, the available evidence is currently insufficient to determine the role of this variant in disease. Therefore, it has been classified as a Variant of Uncertain Significance. Algorithms developed to predict the effect of missense changes on protein structure and function are either unavailable or do not agree on the potential impact of this missense change (SIFT: "Tolerated"; PolyPhen-2: "Probably Damaging"; Align-GVGD: "Class C0"). This variant is not present in population databases (gnomAD no frequency). This sequence change replaces glycine, which is neutral and non-polar, with glutamic acid, which is acidic and polar, at codon 124 of the PLAA protein (p.Gly124Glu).

NM_001031689.3(PLAA):c.371G>A (p.Gly124Glu)

Gene: PLAA (phospholipase A2 activating protein; minus strand). Cytogenetic location: 9p21.2.
Variant type: single nucleotide variant.
Coding change: c.371G>A on transcript NM_001031689.3 (MANE Select); coding-DNA position 371, G replaced by A.
Protein change: p.Gly124Glu; replaces glycine 124 with glutamic acid.
Molecular consequence: missense variant.
Genome position (GRCh38, 1-based): chr9:26,928,381, C>T on the plus strand (G>A on the coding strand, the complement: PLAA is on the minus strand). VCF-style: chr9-26928381-C-T. GRCh37 (hg19) VCF-style: chr9-26928379-C-T.
Other names: c.371G>A, p.Gly124Glu (NM_001321546.2); short protein forms G124E.
Identifiers: ClinVar variation 2127773 (VCV002127773.4), dbSNP rs2489210768, ClinGen allele CA373134268.